The following is an entry in ClinVar:

ClinVar aggregate classification (germline): Uncertain significance (1 of 4 stars; one submission).

Allele frequency attached by ClinVar (database versions not stated): gnomAD exomes below 0.00001; TOPMed below 0.00001; gnomAD 0.00001.
gnomAD v4.1: 5 of 1,610,486 alleles (0.00031%); highest among the groups gnomAD compares: Non-Finnish European, 0.00042%; no homozygotes.

Submission:

Labcorp Genetics (formerly Invitae), Labcorp
Classification: Uncertain significance. Last evaluated: 2024-12-19. Review status: criteria provided, single submitter. Criteria: Invitae Variant Classification Sherloc (09022015). Collection method: clinical testing. Allele origin: germline.
Comment: This sequence change replaces glutamine, which is neutral and polar, with glutamic acid, which is acidic and polar, at codon 395 of the IKZF1 protein (p.Gln395Glu). This variant is not present in population databases (gnomAD no frequency). This variant has not been reported in the literature in individuals affected with IKZF1-related conditions. ClinVar contains an entry for this variant (Variation ID: 2103739). An algorithm developed to predict the effect of missense changes on protein structure and function (PolyPhen-2) suggests that this variant is likely to be tolerated. In summary, the available evidence is currently insufficient to determine the role of this variant in disease. Therefore, it has been classified as a Variant of Uncertain Significance.

NM_006060.6(IKZF1):c.1183C>G (p.Gln395Glu)

Gene: IKZF1 (IKAROS family zinc finger 1; plus strand). Cytogenetic location: 7p12.2.
Variant type: single nucleotide variant.
Coding change: c.1183C>G on transcript NM_006060.6 (MANE Select); coding-DNA position 1183, C replaced by G.
Protein change: p.Gln395Glu; replaces glutamine 395 with glutamic acid.
Molecular consequence: missense variant.
Genome position (GRCh38, 1-based): chr7:50,400,250, C>G. VCF-style: chr7-50400250-C-G. GRCh37 (hg19) VCF-style: chr7-50467948-C-G.
Other names: c.1057C>G, p.Gln353Glu (NM_001220765.3, NM_001291837.2); c.892C>G, p.Gln298Glu (NM_001220767.2); c.922C>G, p.Gln308Glu (NM_001220768.2, NM_001291838.2); c.766C>G, p.Gln256Glu (NM_001220770.2); c.754C>G, p.Gln252Glu (NM_001220771.2, NM_001291841.1); c.796C>G, p.Gln266Glu (NM_001291839.2); c.493C>G, p.Gln165Glu (NM_001291840.1); c.724C>G, p.Gln242Glu (NM_001291842.1); and 3 more; short protein forms Q200E, Q242E, Q256E, Q395E, Q210E, Q165E, Q252E, Q415E.
Identifiers: ClinVar variation 2103739 (VCV002103739.4), dbSNP rs1360286392, ClinGen allele CA367524598.